The following is an entry in ClinVar:

NM_022489.4(INF2):c.985+66G>A

Gene: INF2 (inverted formin 2; plus strand). Cytogenetic location: 14q32.33.
Variant type: single nucleotide variant.
Coding change: c.985+66G>A on transcript NM_022489.4 (MANE Select); 66 bases into the intron after coding-DNA position 985, G replaced by A.
Molecular consequence: intron variant.
Genome position (GRCh38, 1-based): chr14:104,707,117, G>A. VCF-style: chr14-104707117-G-A. GRCh37 (hg19) VCF-style: chr14-105173454-G-A.
Other names: c.985+66G>A (NM_001031714.4).
Identifiers: ClinVar variation 681968 (VCV000681968.2), dbSNP rs57402537, ClinGen allele CA267322726.

ClinVar aggregate classification (germline): Benign. Review status: criteria provided, multiple submitters, no conflicts (2 of 4 stars). 2 submissions from 2 submitters: Benign (2). Last evaluated 2018-06-16.

Allele frequency attached by ClinVar (database versions not stated): 1000 Genomes Project 0.05791; 1000 Genomes Project 30x 0.05996; TOPMed 0.06995.
gnomAD v4.1: 118,000 of 1,520,930 alleles (7.8%); highest among the groups gnomAD compares: Middle Eastern, 10%; 5,026 homozygotes.

Submissions (2):

GeneDx
Classification: Benign. Last evaluated: 2018-06-16. Review status: criteria provided, single submitter. Criteria: GeneDx Variant Classification (06012015). Collection method: clinical testing. Allele origin: germline. Affected: yes.
Comment: This variant is considered likely benign or benign based on one or more of the following criteria: it is a conservative change, it occurs at a poorly conserved position in the protein, it is predicted to be benign by multiple in silico algorithms, and/or has population frequency not consistent with disease.

Breakthrough Genomics
Classification: Benign. Review status: criteria provided, single submitter. Criteria: ACMG Guidelines, 2015. Collection method: not provided. Allele origin: germline. Inheritance: Autosomal dominant inheritance. Affected: yes.